The following is an entry in ClinVar:

ClinVar aggregate classification (germline): Likely pathogenic (1 of 4 stars; one submission).

Conditions:
Zellweger spectrum disorders (ZS). Also called: Zellweger Spectrum Disorder (ZSD); Zellweger syndrome; Zellweger Spectrum Disorder; Zellweger Spectrum. Identifiers: Orphanet 912, MedGen C0043459, MONDO:0019609.

gnomAD v4.1: 1 of 1,613,818 alleles (0.000062%); highest among the groups gnomAD compares: Non-Finnish European, 0.000085%; no homozygotes.

Submission:

Natera, Inc.
Classification: Likely pathogenic for Zellweger syndrome. Last evaluated: 2025-10-27. Review status: criteria provided, single submitter. Criteria: Natera Variant Classification Schema (03/2026). Collection method: clinical testing. Allele origin: germline.
Comment: The c.1958G>A variant in PEX1 is a nonsense variant predicted to introduce a stop codon at amino acid 653. This variant is expected to result in nonsense mediated decay, truncation, or a dysfunctional protein product. This variant is rare in the general population with a frequency below the threshold expected for the associated phenotype(s). Given the available evidence, this variant is classified as Likely Pathogenic.

NM_000466.3(PEX1):c.1958G>A (p.Trp653Ter)

Gene: PEX1 (peroxisomal biogenesis factor 1; minus strand). Cytogenetic location: 7q21.2.
Variant type: single nucleotide variant.
Coding change: c.1958G>A on transcript NM_000466.3 (MANE Select); coding-DNA position 1958, G replaced by A.
Protein change: p.Trp653Ter; replaces tryptophan 653 with a stop codon.
Molecular consequence: nonsense. On other transcripts: intron variant (1).
Genome position (GRCh38, 1-based): chr7:92,504,845, C>T on the plus strand (G>A on the coding strand, the complement: PEX1 is on the minus strand). VCF-style: chr7-92504845-C-T. GRCh37 (hg19) VCF-style: chr7-92134159-C-T.
Other names: c.1334G>A, p.Trp445Ter (NM_001282678.2); c.1900+1403G>A (NM_001282677.2); short protein forms W445*, W653*.
Identifiers: ClinVar variation 4818390 (VCV004818390.1).